The following is an entry in ClinVar:

ClinVar aggregate classification (germline): Uncertain significance (1 of 4 stars; one submission).

Submission:

Labcorp Genetics (formerly Invitae), Labcorp
Classification: Uncertain significance. Last evaluated: 2022-09-13. Review status: criteria provided, single submitter. Criteria: Invitae Variant Classification Sherloc (09022015). Collection method: clinical testing. Allele origin: germline.
Comment: This variant has not been reported in the literature in individuals affected with TCIRG1-related conditions. This variant is not present in population databases (gnomAD no frequency). This sequence change replaces leucine, which is neutral and non-polar, with proline, which is neutral and non-polar, at codon 220 of the TCIRG1 protein (p.Leu220Pro). Advanced modeling of protein sequence and biophysical properties (such as structural, functional, and spatial information, amino acid conservation, physicochemical variation, residue mobility, and thermodynamic stability) performed at Invitae indicates that this missense variant is expected to disrupt TCIRG1 protein function. In summary, the available evidence is currently insufficient to determine the role of this variant in disease. Therefore, it has been classified as a Variant of Uncertain Significance.

NM_006019.4(TCIRG1):c.659T>C (p.Leu220Pro)

Gene: TCIRG1 (T cell immune regulator 1, ATPase H+ transporting V0 subunit a3; plus strand). Cytogenetic location: 11q13.2.
Variant type: single nucleotide variant.
Coding change: c.659T>C on transcript NM_006019.4 (MANE Select); coding-DNA position 659, T replaced by C.
Protein change: p.Leu220Pro; replaces leucine 220 with proline.
Molecular consequence: missense variant. On other transcripts: 5 prime UTR variant (1).
Genome position (GRCh38, 1-based): chr11:68,043,599, T>C. VCF-style: chr11-68043599-T-C. GRCh37 (hg19) VCF-style: chr11-67811066-T-C.
Other names: c.-252T>C (NM_001351059.2); c.11T>C, p.Leu4Pro (NM_006053.4); short protein forms L220P, L4P.
Identifiers: ClinVar variation 1970395 (VCV001970395.5), dbSNP rs2495621971, ClinGen allele CA381578562.